The following is an entry in ClinVar:

ClinVar aggregate classification (germline): Uncertain significance (1 of 4 stars; one submission).

Conditions:
Cardiovascular phenotype. Identifiers: MedGen CN230736.

Submission:

Ambry Genetics
Classification: Uncertain significance for Cardiovascular phenotype. Last evaluated: 2025-11-04. Review status: criteria provided, single submitter. Criteria: Ambry Variant Classification Scheme 2023. Collection method: clinical testing. Allele origin: germline.
Comment: The p.P203L variant (also known as c.608C>T), located in coding exon 5 of the TRPM4 gene, results from a C to T substitution at nucleotide position 608. The proline at codon 203 is replaced by leucine, an amino acid with similar properties. This amino acid position is conserved. In addition, this alteration is predicted to be tolerated by in silico analysis. Based on the available evidence, the clinical significance of this variant remains unclear.

NM_017636.4(TRPM4):c.608C>T (p.Pro203Leu)

Gene: TRPM4 (transient receptor potential cation channel subfamily M member 4; plus strand). Cytogenetic location: 19q13.33.
Variant type: single nucleotide variant.
Coding change: c.608C>T on transcript NM_017636.4 (MANE Select); coding-DNA position 608, C replaced by T.
Protein change: p.Pro203Leu; replaces proline 203 with leucine.
Molecular consequence: missense variant. On other transcripts: 5 prime UTR variant (1), intron variant (2).
Genome position (GRCh38, 1-based): chr19:49,168,419, C>T. VCF-style: chr19-49168419-C-T. GRCh37 (hg19) VCF-style: chr19-49671676-C-T.
Other names: c.608C>T, p.Pro203Leu (NM_001195227.2); c.-946C>T (NM_001321282.2); c.86C>T, p.Pro29Leu (NM_001321283.2); c.268-134C>T (NM_001321281.2); c.-237-134C>T (NM_001321285.2); short protein forms P29L, P203L.
Identifiers: ClinVar variation 4615273 (VCV004615273.1).